The following is an entry in ClinVar:

ClinVar aggregate classification (germline): Uncertain significance (1 of 4 stars; one submission).

Conditions:
Hereditary cancer-predisposing syndrome. Also called: Neoplastic Syndromes, Hereditary; Tumor predisposition; Hereditary neoplastic syndrome; Hereditary Cancer Syndrome. Identifiers: Orphanet 140162, MedGen C0027672, MeSH D009386, MONDO:0015356.

Submission:

Ambry Genetics
Classification: Uncertain significance for Hereditary cancer-predisposing syndrome. Last evaluated: 2024-05-26. Review status: criteria provided, single submitter. Criteria: Ambry Variant Classification Scheme 2023. Collection method: clinical testing. Allele origin: germline.
Comment: The p.L391I variant (also known as c.1171C>A), located in coding exon 6 of the RET gene, results from a C to A substitution at nucleotide position 1171. The leucine at codon 391 is replaced by isoleucine, an amino acid with highly similar properties. This amino acid position is conserved. In addition, this alteration is predicted to be tolerated by in silico analysis. Based on the available evidence, the clinical significance of this variant remains unclear.

NM_020975.6(RET):c.1171C>A (p.Leu391Ile)

Gene: RET (ret proto-oncogene; plus strand). Cytogenetic location: 10q11.21.
Variant type: single nucleotide variant.
Coding change: c.1171C>A on transcript NM_020975.6 (MANE Select); coding-DNA position 1171, C replaced by A.
Protein change: p.Leu391Ile; replaces leucine 391 with isoleucine.
Molecular consequence: missense variant. On other transcripts: intron variant (18).
Genome position (GRCh38, 1-based): chr10:43,109,138, C>A. VCF-style: chr10-43109138-C-A. GRCh37 (hg19) VCF-style: chr10-43604586-C-A.
Other names: c.409C>A, p.Leu137Ile (NM_001355216.2); c.883C>A, p.Leu295Ile (NM_001406767.1, NM_001406770.1, NM_001406766.1); c.1042C>A, p.Leu348Ile (NM_001406768.1, NM_001406761.1, NM_001406762.1 and 1 more transcripts); c.733C>A, p.Leu245Ile (NM_001406771.1, NM_001406773.1); c.445C>A, p.Leu149Ile (NM_001406775.1, NM_001406776.1, NM_001406777.1 and 1 more transcripts); c.626-2961C>A (NM_001406785.1, NM_001406782.1, NM_001406780.1 and 3 more transcripts); c.739-2069C>A (NM_001406774.1); c.497-2961C>A (NM_001406786.1, NM_001406783.1); and 5 more; short protein forms L295I, L245I, L391I, L61I, L137I, L149I, L348I.
Identifiers: ClinVar variation 3313738 (VCV003313738.1).